The following is an entry in ClinVar:

ClinVar aggregate classification (germline): Conflicting classifications of pathogenicity. Review status: criteria provided, conflicting classifications (1 of 4 stars). 5 submissions from 5 submitters: Uncertain significance (1); Benign (1); Likely benign (3). Last evaluated 2025-02-10.

Conditions:
Hereditary cancer-predisposing syndrome. Also called: Neoplastic Syndromes, Hereditary; Hereditary neoplastic syndrome; Tumor predisposition; Hereditary Cancer Syndrome. Identifiers: Orphanet 140162, MedGen C0027672, MeSH D009386, MONDO:0015356.
Fanconi anemia complementation group J. Also called: BRIP1-Related Fanconi Anemia. Identifiers: Orphanet 84, MedGen C1836860, MONDO:0012187, OMIM 609054.
Familial cancer of breast. Also called: BREAST CANCER, FAMILIAL; hereditary breast carcinoma; Hereditary breast cancer. Identifiers: Orphanet 227535, MedGen C0346153, MONDO:0016419, OMIM 114480. Disease mechanism: loss of function.

Submissions (5):

Quest Diagnostics Nichols Institute San Juan Capistrano
Classification: Uncertain significance. Last evaluated: 2025-02-10. Review status: criteria provided, single submitter. Criteria: Quest Diagnostics criteria. Collection method: clinical testing. Allele origin: unknown.
Comment: The BRIP1 c.2907T>C (p.Asn969=) synonymous variant has not been reported in individuals with BRIP1-related conditions in the published literature. It also has not been reported in large, multi-ethnic general populations (Genome Aggregation Database). Analysis of this variant using software algorithms for the prediction of the effect of nucleotide changes on BRIP1 mRNA splicing yielded inconclusive findings. Based on the available information, we are unable to determine the clinical significance of this variant.

Myriad Genetics, Inc.
Classification: Benign for Familial cancer of breast. Last evaluated: 2024-09-09. Review status: criteria provided, single submitter. Criteria: Myriad Autosomal Dominant, Autosomal Recessive and X-Linked Classification Criteria (2023). Collection method: clinical testing. Allele origin: unknown.
Comment: This variant is considered benign. This variant is a silent/synonymous amino acid change and it is not expected to impact splicing.

Labcorp Genetics (formerly Invitae), Labcorp
Classification: Likely benign for Familial cancer of breast; Fanconi anemia complementation group J. Last evaluated: 2024-01-21. Review status: criteria provided, single submitter. Criteria: Invitae Variant Classification Sherloc (09022015). Collection method: clinical testing. Allele origin: germline.

Ambry Genetics
Classification: Likely benign for Hereditary cancer-predisposing syndrome. Last evaluated: 2021-08-30. Review status: criteria provided, single submitter. Criteria: Ambry Variant Classification Scheme 2023. Collection method: clinical testing. Allele origin: germline.

Women's Health and Genetics/Laboratory Corporation of America, LabCorp
Classification: Likely benign. Last evaluated: 2019-08-29. Review status: criteria provided, single submitter. Criteria: LabCorp Variant Classification Summary - May 2015. Collection method: clinical testing. Allele origin: germline.
Comment: Variant summary: BRIP1 c.2907T>C (p.Asn969Asn) alters a conserved nucleotide located close to a canonical splice site and therefore could affect mRNA splicing, leading to a significantly altered protein sequence. 5/5 computational tools (ALAMUT) predict no significant impact on normal splicing. Another in-silico tool for assessing the pathogenicity of synonymous variants, namely TraP (Transcript-inferred Pathogenicity, Gelfman_2017) predicts this variant to be benign. However, these predictions have yet to be confirmed by functional studies. The variant was absent in 250176 control chromosomes (gnomAD). The available data on variant occurrences in the general population are insufficient to allow any conclusion about variant significance. To our knowledge, no occurrence of c.2907T>C in individuals affected with Hereditary Breast and Ovarian Cancer and no experimental evidence demonstrating its impact on protein function have been reported. One clinical diagnostic laboratory has submitted clinical-significance assessments for this variant to ClinVar after 2014 without evidence for independent evaluation and classified the variant as likely benign. Based on the evidence outlined above, the variant was classified as likely benign.

NM_032043.3(BRIP1):c.2907T>C (p.Asn969=)

Gene: BRIP1 (BRCA1 interacting DNA helicase 1; minus strand). Cytogenetic location: 17q23.2.
Variant type: single nucleotide variant.
Coding change: c.2907T>C on transcript NM_032043.3 (MANE Select); coding-DNA position 2907, T replaced by C.
Protein change: p.Asn969=; no amino-acid change (asparagine 969 retained).
Molecular consequence: synonymous variant.
Genome position (GRCh38, 1-based): chr17:61,684,139, A>G on the plus strand (T>C on the coding strand, the complement: BRIP1 is on the minus strand). VCF-style: chr17-61684139-A-G. GRCh37 (hg19) VCF-style: chr17-59761500-A-G.
Identifiers: ClinVar variation 530363 (VCV000530363.16), dbSNP rs1555572999, ClinGen allele CA501143332.
Genomic context (GRCh38, chr17:61,684,139, plus strand): 5'-TGTGGATCTGGAAATCACAATTTTTTCTGCTTTCCCTGCTTCTTCCAGGAATACTGGATC[A>G]TCTAAGAATACAAGAATTTAAGAGATTTAACTTTCTGCTCCTAGCTAACATAATTGCTAG-3'
Protein context (NP_114432.2, residues 959-979): PSSIISRKEK[Asn969=]DPVFLEEAGK